The following is an entry in ClinVar:

ClinVar aggregate classification (germline): Benign. Review status: reviewed by expert panel (3 of 4 stars). 3 submissions from 3 submitters: Benign (1). 2 of the submissions do not count toward it. Last evaluated 2022-01-10.

Conditions:
Mitochondrial disease. Also called: Mitochondrial disorder; Mitochondrial disorders. Identifiers: Orphanet 68380, MedGen C0751651, MeSH D028361, MONDO:0044970.
MELAS syndrome (MELAS). Also called: Juvenile myopathy, encephalopathy, lactic acidosis, stroke. Identifiers: Orphanet 550, MedGen C0162671, MONDO:0010789, OMIM 540000.

Submissions (3):

ClinGen Mitochondrial Disease Nuclear and Mitochondrial  Variant Curation Expert Panel, ClinGen
Classification: Benign for Mitochondrial disease. Last evaluated: 2022-01-10. Review status: reviewed by expert panel. Criteria: clingen mito disease acmg specifications v1-1. Collection method: curation. Allele origin: germline. Inheritance: Mitochondrial inheritance.
Comment: The m.12308A>G variant in MT-TL2 was reviewed by the Mitochondrial Disease Nuclear and Mitochondrial Variant Curation Expert Panel as part of the variant pilot for mitochondrial DNA variant specifications (McCormick et al., 2020; PMID: 32906214). This variant is seen in 12.5% of individuals in the GenBank dataset (BA1) including in haplogroups K (99.5% of individuals) and U (98.9% of individuals). Furthermore, this variant is seen in the gnomAD dataset (v3.1.2) at an overall homoplasmic allele frequency of 15% including in haplogroups K (99.9% of individuals) and U (99.7% of individuals). If an affected individual is not a member one of these haplogroups, further evaluation of the variant in that particular individual should be considered. In summary, this variant meets criteria to be classified as benign for primary mitochondrial disease inherited in a mitochondrial manner. This classification was approved by the NICHD U24 Mitochondrial Disease Variant Curation Expert Panel as of August 20, 2020. Mitochondrial DNA-specific ACMG/AMP criteria applied: BA1.

Laboratory of Genetics, Children's Clinical University Hospital Latvia
Classification: Likely benign. Last evaluated: 2025-02-16. Review status: criteria provided, single submitter. Criteria: ACMG Guidelines, 2015. Collection method: clinical testing. Allele origin: germline. Affected: yes. Not counted in ClinVar's aggregate classification.

Wong Mito Lab, Molecular and Human Genetics, Baylor College of Medicine
Classification: Benign for MELAS syndrome. Last evaluated: 2019-07-12. Review status: criteria provided, single submitter. Criteria: Modified ACMG Guidelines (Unpublished). Collection method: clinical testing. Allele origin: germline. Not counted in ClinVar's aggregate classification.
Comment: The NC_012920.1:m.12308A>G variant in MT-TL2 gene is interpreted to be a Benign variant based on the modified ACMG guidelines (unpublished). This variant meets the following evidence codes reported in the guidelines: BA1

Literature cited by the submitters: PubMed 31965079 (cited by Wong Mito Lab, Molecular and Human Genetics, Baylor College of Medicine).

NC_012920.1(MT-TL2):m.12308A>G

Gene: MT-TL2 (mitochondrially encoded tRNA leucine 2 (CUN); plus strand).
Variant type: single nucleotide variant.
Genome position: chrM-12308-A-G.
Identifiers: ClinVar variation 690193 (VCV000690193.3), dbSNP rs2853498, ClinGen allele CA337099441.